The following is an entry in ClinVar:

NM_000143.4(FH):c.1227G>A (p.Lys409=)

Gene: FH (fumarate hydratase; minus strand). Cytogenetic location: 1q43.
Variant type: single nucleotide variant.
Coding change: c.1227G>A on transcript NM_000143.4 (MANE Select); coding-DNA position 1227, G replaced by A.
Protein change: p.Lys409=; no amino-acid change (lysine 409 retained).
Molecular consequence: synonymous variant.
Genome position (GRCh38, 1-based): chr1:241,502,452, C>T on the plus strand (G>A on the coding strand, the complement: FH is on the minus strand). VCF-style: chr1-241502452-C-T. GRCh37 (hg19) VCF-style: chr1-241665752-C-T.
Identifiers: ClinVar variation 818645 (VCV000818645.16), dbSNP rs774493741, ClinGen allele CA1478526.

ClinVar aggregate classification (germline): Benign/Likely benign. Review status: criteria provided, multiple submitters, no conflicts (2 of 4 stars). 4 submissions from 4 submitters: Benign (1); Likely benign (2). 1 of the submissions does not count toward it. Last evaluated 2026-01-08.

Conditions:
Hereditary cancer-predisposing syndrome. Also called: Tumor predisposition; Hereditary neoplastic syndrome; Neoplastic Syndromes, Hereditary; Hereditary Cancer Syndrome. Identifiers: Orphanet 140162, MedGen C0027672, MeSH D009386, MONDO:0015356.
Hereditary leiomyomatosis and renal cell cancer. Also called: LEIOMYOMA, MULTIPLE CUTANEOUS; Reed syndrome; Multiple cutaneous and uterine leiomyomatosis; Cutaneous leiomyomata with uterine leiomyomata; Leiomyoma, hereditary multiple, of skin; Multiple cutaneous and uterine leiomyomata. Identifiers: Orphanet 523, MedGen C1708350, MONDO:0007888, OMIM 150800, HP:0007437. Disease mechanism: loss of function.
FH-related disorder. Also called: FH-related disorders; FH-related condition.

Allele frequency attached by ClinVar (database versions not stated): gnomAD 0.00001; TOPMed 0.00001; ExAC 0.00002; gnomAD exomes 0.00002.
gnomAD v4.1: 6 of 1,613,944 alleles (0.00037%); highest among the groups gnomAD compares: Admixed American, 0.01%; no homozygotes.

Submissions (4):

Labcorp Genetics (formerly Invitae), Labcorp
Classification: Likely benign. Last evaluated: 2026-01-08. Review status: criteria provided, single submitter. Criteria: Invitae Variant Classification Sherloc (09022015). Collection method: clinical testing. Allele origin: germline.

Myriad Genetics, Inc.
Classification: Benign for Hereditary leiomyomatosis and renal cell cancer. Last evaluated: 2024-10-21. Review status: criteria provided, single submitter. Criteria: Myriad Autosomal Dominant, Autosomal Recessive and X-Linked Classification Criteria (2023). Collection method: clinical testing. Allele origin: unknown.
Comment: This variant is considered benign. This variant is a silent/synonymous amino acid change and it is not expected to impact splicing.

Ambry Genetics
Classification: Likely benign for Hereditary cancer-predisposing syndrome. Last evaluated: 2018-09-12. Review status: criteria provided, single submitter. Criteria: Ambry Variant Classification Scheme 2023. Collection method: clinical testing. Allele origin: germline.

PreventionGenetics, part of Exact Sciences
Classification: Likely benign for FH-related condition. Last evaluated: 2023-03-24. Review status: no assertion criteria provided. Collection method: clinical testing. Allele origin: germline. Not counted in ClinVar's aggregate classification.
Comment: This variant is classified as likely benign based on ACMG/AMP sequence variant interpretation guidelines (Richards et al. 2015 PMID: 25741868, with internal and published modifications).